The following is an entry in ClinVar:

ClinVar aggregate classification (germline): Uncertain significance. Review status: criteria provided, multiple submitters, no conflicts (2 of 4 stars). 2 submissions from 2 submitters: Uncertain significance (2). Last evaluated 2025-10-22.

Conditions:
RNU4ATAC-related disorder. Also called: RNU4ATAC-related condition.

Allele frequency attached by ClinVar (database versions not stated): ExAC 0.00009.
gnomAD v4.1: 88 of 700,290 alleles (0.013%); highest among the groups gnomAD compares: East Asian, 0.035%; no homozygotes.

Submissions (2):

Labcorp Genetics (formerly Invitae), Labcorp
Classification: Uncertain significance. Last evaluated: 2025-10-22. Review status: criteria provided, single submitter. Criteria: Invitae Variant Classification Sherloc (09022015). Collection method: clinical testing. Allele origin: germline.
Comment: This variant occurs in the RNU4ATAC gene, which encodes an RNA molecule that does not result in a protein product. This variant is present in population databases (rs769426972, gnomAD 0.01%). This variant has not been reported in the literature in individuals affected with RNU4ATAC-related conditions. ClinVar contains an entry for this variant (Variation ID: 1493472). Experimental studies and prediction algorithms are not available or were not evaluated, and the functional significance of this variant is currently unknown. In summary, the available evidence is currently insufficient to determine the role of this variant in disease. Therefore, it has been classified as a Variant of Uncertain Significance.

PreventionGenetics, part of Exact Sciences
Classification: Uncertain significance for RNU4ATAC-related condition. Last evaluated: 2025-03-10. Review status: criteria provided, single submitter. Criteria: ACMG Guidelines, 2015. Collection method: clinical testing. Allele origin: germline.
Comment: The RNU4ATAC n.61C>T is a noncoding alteration. To our knowledge, this variant has not been reported in the literature. This variant is reported in 0.014% of alleles in individuals of African descent in gnomAD. At this time, the clinical significance of this variant is uncertain due to the absence of conclusive functional and genetic evidence.

NR_023343.3(RNU4ATAC):n.61C>T

Genes: CLASP1 (cytoplasmic linker associated protein 1; minus strand), CLASP1-AS1 (CLASP1 antisense RNA 1; plus strand), RNU4ATAC (RNA, U4atac small nuclear; plus strand). Cytogenetic location: 2q14.2.
Variant type: single nucleotide variant.
Molecular consequence: intron variant (on NM_001395891.1).
Genome position: GRCh38 VCF-style: chr2-121530940-C-T. GRCh37 (hg19) VCF-style: chr2-122288516-C-T.
Other names: c.196-615G>A (NM_001142274.2, NM_015282.3, NM_001378003.1 and 5 more transcripts).
Identifiers: ClinVar variation 1493472 (VCV001493472.6), dbSNP rs769426972, ClinGen allele CA1854712.